The following is an entry in ClinVar:

ClinVar aggregate classification (germline): Uncertain significance (1 of 4 stars; one submission).

Conditions:
Familial thoracic aortic aneurysm and aortic dissection (TAAD). Also called: Thoracic aortic aneurysms and dissections. Identifiers: Orphanet 91387, MedGen C4707243, MONDO:0019625.

Allele frequency attached by ClinVar (database versions not stated): gnomAD exomes below 0.00001; TOPMed 0.00001; ExAC 0.00002; gnomAD 0.00002; 1000 Genomes Project 30x 0.00016; 1000 Genomes Project 0.00020.
gnomAD v4.1: 4 of 1,610,242 alleles (0.00025%); highest among the groups gnomAD compares: African/African-American, 0.0053%; no homozygotes.

Submission:

Ambry Genetics
Classification: Uncertain significance for Familial thoracic aortic aneurysm and aortic dissection. Last evaluated: 2024-10-22. Review status: criteria provided, single submitter. Criteria: Ambry Variant Classification Scheme 2023. Collection method: clinical testing. Allele origin: germline.
Comment: The p.L1746F variant (also known as c.5236C>T), located in coding exon 28 of the NOTCH1 gene, results from a C to T substitution at nucleotide position 5236. The leucine at codon 1746 is replaced by phenylalanine, an amino acid with highly similar properties. This amino acid position is well conserved in available vertebrate species. In addition, this alteration is predicted to be tolerated by in silico analysis. Since supporting evidence is limited at this time, the clinical significance of this alteration remains unclear.

NM_017617.5(NOTCH1):c.5236C>T (p.Leu1746Phe)

Gene: NOTCH1 (notch receptor 1; minus strand). Cytogenetic location: 9q34.3.
Variant type: single nucleotide variant.
Coding change: c.5236C>T on transcript NM_017617.5 (MANE Select); coding-DNA position 5236, C replaced by T.
Protein change: p.Leu1746Phe; replaces leucine 1746 with phenylalanine.
Molecular consequence: missense variant.
Genome position (GRCh38, 1-based): chr9:136,502,420, G>A on the plus strand (C>T on the coding strand, the complement: NOTCH1 is on the minus strand). VCF-style: chr9-136502420-G-A. GRCh37 (hg19) VCF-style: chr9-139396872-G-A.
Other names: short protein forms L1746F.
Identifiers: ClinVar variation 1746257 (VCV001746257.3), dbSNP rs532630428, ClinGen allele CA5340348.